The following is an entry in ClinVar:

NM_030962.4(SBF2):c.136G>C (p.Glu46Gln)

Gene: SBF2 (SET binding factor 2; minus strand). Cytogenetic location: 11p15.4.
Variant type: single nucleotide variant.
Coding change: c.136G>C on transcript NM_030962.4 (MANE Select); coding-DNA position 136, G replaced by C.
Protein change: p.Glu46Gln; replaces glutamic acid 46 with glutamine.
Molecular consequence: missense variant.
Genome position (GRCh38, 1-based): chr11:10,193,907, C>G on the plus strand (G>C on the coding strand, the complement: SBF2 is on the minus strand). VCF-style: chr11-10193907-C-G. GRCh37 (hg19) VCF-style: chr11-10215454-C-G.
Other names: c.136G>C, p.Glu46Gln (NM_001386339.1, NM_001386342.1); short protein forms E46Q.
Identifiers: ClinVar variation 241608 (VCV000241608.13), dbSNP rs878855130, ClinGen allele CA10582776.

ClinVar aggregate classification (germline): Uncertain significance. Review status: criteria provided, multiple submitters, no conflicts (2 of 4 stars). 5 submissions from 5 submitters: Uncertain significance (5). Last evaluated 2024-07-29.

Conditions:
Inborn genetic diseases. Identifiers: MedGen C0950123, MeSH D030342.
Charcot-Marie-Tooth disease type 4. Also called: Charcot-Marie-Tooth disease, type IV; Charcot-Marie-Tooth, Type 4. Identifiers: Orphanet 64749, MedGen C4082197, MONDO:0018995.

Allele frequency attached by ClinVar (database versions not stated): gnomAD exomes 0.00002; TOPMed 0.00003; gnomAD 0.00004.
gnomAD v4.1: 38 of 1,608,496 alleles (0.0024%); highest among the groups gnomAD compares: Non-Finnish European, 0.0031%; no homozygotes.

Submissions (5):

Blueprint Genetics
Classification: Uncertain significance. Last evaluated: 2024-07-29. Review status: criteria provided, single submitter. Criteria: ACMG Guidelines, 2015. Collection method: clinical testing. Allele origin: germline.

GeneDx
Classification: Uncertain significance. Last evaluated: 2022-10-31. Review status: criteria provided, single submitter. Criteria: GeneDx Variant Classification Process June 2021. Collection method: clinical testing. Allele origin: germline. Affected: yes.
Comment: In silico analysis supports that this missense variant does not alter protein structure/function; Has not been previously published as pathogenic or benign to our knowledge

Labcorp Genetics (formerly Invitae), Labcorp
Classification: Uncertain significance for Charcot-Marie-Tooth disease type 4. Last evaluated: 2022-07-19. Review status: criteria provided, single submitter. Criteria: Invitae Variant Classification Sherloc (09022015). Collection method: clinical testing. Allele origin: germline.
Comment: This sequence change replaces glutamic acid, which is acidic and polar, with glutamine, which is neutral and polar, at codon 46 of the SBF2 protein (p.Glu46Gln). This variant is present in population databases (no rsID available, gnomAD 0.03%). This variant has not been reported in the literature in individuals affected with SBF2-related conditions. ClinVar contains an entry for this variant (Variation ID: 241608). Algorithms developed to predict the effect of missense changes on protein structure and function are either unavailable or do not agree on the potential impact of this missense change (SIFT: "Tolerated"; PolyPhen-2: "Probably Damaging"; Align-GVGD: "Class C0"). In summary, the available evidence is currently insufficient to determine the role of this variant in disease. Therefore, it has been classified as a Variant of Uncertain Significance.

Ambry Genetics
Classification: Uncertain significance for Inborn genetic diseases. Last evaluated: 2020-07-21. Review status: criteria provided, single submitter. Criteria: Ambry Variant Classification Scheme 2023. Collection method: clinical testing. Allele origin: germline.
Comment: The p.E46Q variant (also known as c.136G>C), located in coding exon 2 of the SBF2 gene, results from a G to C substitution at nucleotide position 136. The glutamic acid at codon 46 is replaced by glutamine, an amino acid with highly similar properties. This amino acid position is highly conserved in available vertebrate species. In addition, the in silico prediction for this alteration is inconclusive. Since supporting evidence is limited at this time, the clinical significance of this alteration remains unclear.

Athena Diagnostics
Classification: Uncertain significance. Last evaluated: 2019-04-25. Review status: criteria provided, single submitter. Criteria: Athena Diagnostics Criteria. Collection method: clinical testing. Allele origin: germline.